The following is an entry in ClinVar:

NM_000551.4(VHL):c.331A>C (p.Ser111Arg)

Gene: VHL (von Hippel-Lindau tumor suppressor; plus strand). Cytogenetic location: 3p25.3.
Variant type: single nucleotide variant.
Coding change: c.331A>C on transcript NM_000551.4 (MANE Select); coding-DNA position 331, A replaced by C.
Protein change: p.Ser111Arg; replaces serine 111 with arginine.
Molecular consequence: missense variant. On other transcripts: non-coding transcript variant (1).
Genome position (GRCh38, 1-based): chr3:10,142,178, A>C. VCF-style: chr3-10142178-A-C. GRCh37 (hg19) VCF-style: chr3-10183862-A-C.
Other names: c.331A>C, p.Ser111Arg (NM_001354723.2, NM_198156.3); short protein forms S111R.
Identifiers: ClinVar variation 2673948 (VCV002673948.1), dbSNP rs1559426203, ClinGen allele CA351751320.

ClinVar aggregate classification (germline): Pathogenic (1 of 4 stars; one submission).

Conditions:
Von Hippel-Lindau syndrome (VHLS). Also called: Von Hippel-Lindau; von Hippel–Lindau syndrome; VHL syndrome. Identifiers: Orphanet 892, MedGen C0019562, MONDO:0008667, OMIM 193300. Disease mechanism: loss of function.

Submission:

Myriad Genetics, Inc.
Classification: Pathogenic for Von Hippel-Lindau syndrome. Last evaluated: 2023-10-24. Review status: criteria provided, single submitter. Criteria: Myriad Autosomal Dominant, Autosomal Recessive and X-Linked Classification Criteria (2023). Collection method: clinical testing. Allele origin: unknown.
Comment: This variant is considered pathogenic. Functional studies indicate this variant impacts protein function [PMID: 22071692]. This variant is expected to disrupt protein structure [Myriad internal data]. This variant has been reported in multiple individuals with clinical features of gene-specific disease [PMID: 25562111, 10567493, 31278746, 10761708].

Literature cited by the submitters: PubMed 22071692; PubMed 25562111; PubMed 10567493; PubMed 31278746; PubMed 10761708.